The following is an entry in ClinVar:

ClinVar aggregate classification (germline): Benign/Likely benign. Review status: criteria provided, multiple submitters, no conflicts (2 of 4 stars). 2 submissions from 2 submitters: Benign (1); Likely benign (1). Last evaluated 2024-12-26.

Conditions:
Hereditary cancer-predisposing syndrome. Also called: Hereditary Cancer Syndrome; Hereditary neoplastic syndrome; Neoplastic Syndromes, Hereditary; Tumor predisposition. Identifiers: Orphanet 140162, MedGen C0027672, MeSH D009386, MONDO:0015356.
Lynch syndrome 5 (LYNCH5). Also called: Hereditary non-polyposis colorectal cancer, type 5; Colorectal cancer, hereditary nonpolyposis, type 5. Identifiers: Orphanet 144, MedGen C1833477, MONDO:0013710, OMIM 614350. Disease mechanism: loss of function.

gnomAD v4.1: 2 of 1,614,148 alleles (0.00012%); highest among the groups gnomAD compares: South Asian, 0.0011%; no homozygotes.

Submissions (2):

Myriad Genetics, Inc.
Classification: Benign for Lynch syndrome 5. Last evaluated: 2024-12-26. Review status: criteria provided, single submitter. Criteria: Myriad Autosomal Dominant, Autosomal Recessive and X-Linked Classification Criteria (2023). Collection method: clinical testing. Allele origin: unknown.
Comment: This variant is considered benign. This variant is a silent/synonymous amino acid change and it is not expected to impact splicing.

Ambry Genetics
Classification: Likely benign for Hereditary cancer-predisposing syndrome. Last evaluated: 2021-06-13. Review status: criteria provided, single submitter. Criteria: Ambry Variant Classification Scheme 2023. Collection method: clinical testing. Allele origin: germline.

NM_000179.3(MSH6):c.1512G>A (p.Lys504=)

Gene: MSH6 (mutS homolog 6; plus strand). Cytogenetic location: 2p16.3.
Variant type: single nucleotide variant.
Coding change: c.1512G>A on transcript NM_000179.3 (MANE Select); coding-DNA position 1512, G replaced by A.
Protein change: p.Lys504=; no amino-acid change (lysine 504 retained).
Molecular consequence: synonymous variant. On other transcripts: non-coding transcript variant (4), intron variant (1).
Genome position (GRCh38, 1-based): chr2:47,799,495, G>A. VCF-style: chr2-47799495-G-A. GRCh37 (hg19) VCF-style: chr2-48026634-G-A.
Other names: c.606G>A, p.Lys202= (NM_001406829.1, NM_001281493.2, NM_001281494.2 and 6 more transcripts); c.1215G>A, p.Lys405= (NM_001406830.1, NM_001406797.1, NM_001406801.1 and 10 more transcripts); c.628-1171G>A (NM_001407362.1); c.1122G>A, p.Lys374= (NM_001281492.2); c.1608G>A, p.Lys536= (NM_001406795.1, NM_001406802.1); c.1512G>A, p.Lys504= (NM_001406796.1, NM_001406798.1, NM_001406800.1 and 4 more transcripts); c.987G>A, p.Lys329= (NM_001406799.1, NM_001406806.1, NM_001406807.1); c.1434G>A, p.Lys478= (NM_001406804.1); and 2 more.
Identifiers: ClinVar variation 1774245 (VCV001774245.3), dbSNP rs2104348639, ClinGen allele CA426121196.